The following is an entry in ClinVar:

ClinVar aggregate classification (germline): Uncertain significance. Review status: criteria provided, multiple submitters, no conflicts (2 of 4 stars). 4 submissions from 4 submitters: Uncertain significance (4). Last evaluated 2026-01-06.

Conditions:
Maturity-onset diabetes of the young type 4 (MODY4). Also called: Maturity-onset diabetes of the young, type IV; MODY, type IV. Identifiers: Orphanet 552, MedGen C1833382, MONDO:0011667, OMIM 606392.
Pancreatic agenesis 1 (PAGEN1). Also called: PANCREATIC HYPOPLASIA, CONGENITAL. Identifiers: Orphanet 2805, MedGen C3891828, MONDO:0024547, OMIM 260370.
Type 2 diabetes mellitus. Also called: Type II diabetes mellitus. Identifiers: MedGen C0011860, MeSH D003924, MONDO:0005148, OMIM 125853, HP:0005978.

Allele frequency attached by ClinVar (database versions not stated): gnomAD 0.00005; TOPMed 0.00005; ESP Exome Variant Server 0.00009; gnomAD exomes 0.00020; ExAC 0.00043.
gnomAD v4.1: 296 of 1,567,860 alleles (0.019%); highest among the groups gnomAD compares: Non-Finnish European, 0.024%; no homozygotes.

Submissions (4):

Labcorp Genetics (formerly Invitae), Labcorp
Classification: Uncertain significance. Last evaluated: 2026-01-06. Review status: criteria provided, single submitter. Criteria: Invitae Variant Classification Sherloc (09022015). Collection method: clinical testing. Allele origin: germline.
Comment: This sequence change replaces proline, which is neutral and non-polar, with glutamine, which is neutral and polar, at codon 95 of the PDX1 protein (p.Pro95Gln). This variant is present in population databases (rs375009107, gnomAD 0.02%). This missense change has been observed in individual(s) with clinical features of PDX1-related conditions (PMID: 21569088). ClinVar contains an entry for this variant (Variation ID: 2442632). Invitae Evidence Modeling of protein sequence and biophysical properties (such as structural, functional, and spatial information, amino acid conservation, physicochemical variation, residue mobility, and thermodynamic stability) indicates that this missense variant is not expected to disrupt PDX1 protein function with a negative predictive value of 80%. In summary, the available evidence is currently insufficient to determine the role of this variant in disease. Therefore, it has been classified as a Variant of Uncertain Significance.

Women's Health and Genetics/Laboratory Corporation of America, LabCorp
Classification: Uncertain significance. Last evaluated: 2025-12-11. Review status: criteria provided, single submitter. Criteria: LabCorp Variant Classification Summary - May 2015. Collection method: clinical testing. Allele origin: germline.
Comment: Variant summary: PDX1 c.284C>A (p.Pro95Gln) results in a non-conservative amino acid change in the encoded protein sequence. Algorithms developed to predict the effect of missense changes on protein structure and function are either unavailable or do not agree on the potential impact of this missense change. The variant allele was found at a frequency of 8.7e-05 in 172498 control chromosomes. This frequency is not significantly higher than estimated for disease-causing variants in PDX1, allowing no conclusion about variant significance. c.284C>A has been observed in an individual from a type 2 diabetes cohort (Edghill_2011). This report does not provide unequivocal conclusions about association of the variant with PDX1-related conditions. To our knowledge, no experimental evidence demonstrating an impact on protein function has been reported. The following publication has been ascertained in the context of this evaluation (PMID: 21569088). ClinVar contains an entry for this variant (Variation ID: 2442632). Based on the evidence outlined above, the variant was classified as uncertain significance.

Fulgent Genetics
Classification: Uncertain significance for Type 2 diabetes mellitus; Pancreatic agenesis 1; Maturity-onset diabetes of the young type 4. Last evaluated: 2024-02-22. Review status: criteria provided, single submitter. Criteria: ACMG Guidelines, 2015. Collection method: clinical testing. Allele origin: germline.

GeneDx
Classification: Uncertain significance. Last evaluated: 2023-06-01. Review status: criteria provided, single submitter. Criteria: GeneDx Variant Classification Process June 2021. Collection method: clinical testing. Allele origin: germline. Affected: yes.
Comment: Reported in an individual from a large cohort of patients with diabetes type II (Edghill et al., 2011); In silico analysis supports that this missense variant does not alter protein structure/function; This variant is associated with the following publications: (PMID: 21569088)

Literature cited by the submitters: PubMed 21569088 (cited by Labcorp Genetics (formerly Invitae), Labcorp and Women's Health and Genetics/Laboratory Corporation of America, LabCorp).

NM_000209.4(PDX1):c.284C>A (p.Pro95Gln)

Gene: PDX1 (pancreatic and duodenal homeobox 1; plus strand). Cytogenetic location: 13q12.2.
Variant type: single nucleotide variant.
Coding change: c.284C>A on transcript NM_000209.4 (MANE Select); coding-DNA position 284, C replaced by A.
Protein change: p.Pro95Gln; replaces proline 95 with glutamine.
Molecular consequence: missense variant.
Genome position (GRCh38, 1-based): chr13:27,920,422, C>A. VCF-style: chr13-27920422-C-A. GRCh37 (hg19) VCF-style: chr13-28494559-C-A.
Other names: short protein forms P95Q.
Identifiers: ClinVar variation 2442632 (VCV002442632.5), dbSNP rs375009107, ClinGen allele CA6927606.